The following is an entry in ClinVar:

ClinVar aggregate classification (germline): Uncertain significance (1 of 4 stars; one submission).

Allele frequency attached by ClinVar (database versions not stated): gnomAD exomes below 0.00001; TOPMed 0.00002.

Submission:

Labcorp Genetics (formerly Invitae), Labcorp
Classification: Uncertain significance. Last evaluated: 2021-12-24. Review status: criteria provided, single submitter. Criteria: Invitae Variant Classification Sherloc (09022015). Collection method: clinical testing. Allele origin: germline.
Comment: This sequence change replaces serine, which is neutral and polar, with glycine, which is neutral and non-polar, at codon 480 of the IFT88 protein (p.Ser480Gly). In summary, the available evidence is currently insufficient to determine the role of this variant in disease. Therefore, it has been classified as a Variant of Uncertain Significance. Algorithms developed to predict the effect of missense changes on protein structure and function are either unavailable or do not agree on the potential impact of this missense change (SIFT: "Not Available"; PolyPhen-2: "Benign"; Align-GVGD: "Not Available"). This variant is not present in population databases (gnomAD no frequency). This variant has not been reported in the literature in individuals affected with IFT88-related conditions.

NM_006531.5(IFT88):c.1411A>G (p.Ser471Gly)

Gene: IFT88 (intraflagellar transport 88; plus strand). Cytogenetic location: 13q12.11.
Variant type: single nucleotide variant.
Coding change: c.1411A>G on transcript NM_006531.5 (MANE Select); coding-DNA position 1411, A replaced by G.
Protein change: p.Ser471Gly; replaces serine 471 with glycine.
Molecular consequence: missense variant. On other transcripts: non-coding transcript variant (4).
Genome position (GRCh38, 1-based): chr13:20,638,356, A>G. VCF-style: chr13-20638356-A-G. GRCh37 (hg19) VCF-style: chr13-21212495-A-G.
Other names: c.1354A>G, p.Ser452Gly (NM_001318491.2, NM_001353575.2); c.1438A>G, p.Ser480Gly (NM_001318493.2, NM_001353565.2, NM_001353566.2 and 2 more transcripts); c.1411A>G, p.Ser471Gly (NM_001353568.2, NM_001353572.2); c.1336A>G, p.Ser446Gly (NM_001353569.2, NM_001353570.2, NM_001353576.2 and 1 more transcripts); c.1309A>G, p.Ser437Gly (NM_001353571.2, NM_001353578.2); c.1267A>G, p.Ser423Gly (NM_001353573.2); c.1252A>G, p.Ser418Gly (NM_001353574.2); c.778A>G, p.Ser260Gly (NM_001353579.2); short protein forms S418G, S437G, S260G, S446G, S471G, S480G, S423G, S452G.
Identifiers: ClinVar variation 2057208 (VCV002057208.4), dbSNP rs1228085479, ClinGen allele CA387473226.